The following is an entry in ClinVar:

ClinVar aggregate classification (germline): Uncertain significance (1 of 4 stars; one submission).

Conditions:
Werner syndrome (WRN). Identifiers: Orphanet 902, MedGen C0043119, MONDO:0010196, OMIM 277700.

Submission:

Labcorp Genetics (formerly Invitae), Labcorp
Classification: Uncertain significance for Werner syndrome. Last evaluated: 2022-03-02. Review status: criteria provided, single submitter. Criteria: Invitae Variant Classification Sherloc (09022015). Collection method: clinical testing. Allele origin: germline.
Comment: This variant has not been reported in the literature in individuals affected with WRN-related conditions. Algorithms developed to predict the effect of missense changes on protein structure and function are either unavailable or do not agree on the potential impact of this missense change (SIFT: "Not Available"; PolyPhen-2: "Possibly Damaging"; Align-GVGD: "Not Available"). In summary, the available evidence is currently insufficient to determine the role of this variant in disease. Therefore, it has been classified as a Variant of Uncertain Significance. This sequence change replaces lysine, which is basic and polar, with threonine, which is neutral and polar, at codon 1296 of the WRN protein (p.Lys1296Thr). This variant is not present in population databases (gnomAD no frequency).

NM_000553.6(WRN):c.3887A>C (p.Lys1296Thr)

Gene: WRN (WRN RecQ like helicase; plus strand). Cytogenetic location: 8p12.
Variant type: single nucleotide variant.
Coding change: c.3887A>C on transcript NM_000553.6 (MANE Select); coding-DNA position 3887, A replaced by C.
Protein change: p.Lys1296Thr; replaces lysine 1296 with threonine.
Molecular consequence: missense variant.
Genome position (GRCh38, 1-based): chr8:31,157,435, A>C. VCF-style: chr8-31157435-A-C. GRCh37 (hg19) VCF-style: chr8-31014951-A-C.
Other names: short protein forms K1296T.
Identifiers: ClinVar variation 2105722 (VCV002105722.4), dbSNP rs2536061678, ClinGen allele CA370929416.
Genomic context (GRCh38, chr8:31,157,435, plus strand): 5'-TAGCTGAGAGCAGGATTCTGCCTCTCATGACAATTGGCATGCACTTATCCCAAGCGGTGA[A>C]AGCTGGCTGCCCCCTTGATTTGGAGCGAGCAGGCCTGACTCCAGAGGTTCAGAAGATTAT-3'
Protein context (NP_000544.2, residues 1286-1306): TIGMHLSQAV[Lys1296Thr]AGCPLDLERA